The following is an entry in ClinVar:

NM_000550.3(TYRP1):c.331G>A (p.Gly111Arg)

Gene: TYRP1 (tyrosinase related protein 1; plus strand). Cytogenetic location: 9p23.
Variant type: single nucleotide variant.
Coding change: c.331G>A on transcript NM_000550.3 (MANE Select); coding-DNA position 331, G replaced by A.
Protein change: p.Gly111Arg; replaces glycine 111 with arginine.
Molecular consequence: missense variant.
Genome position (GRCh38, 1-based): chr9:12,694,327, G>A. VCF-style: chr9-12694327-G-A. GRCh37 (hg19) VCF-style: chr9-12694327-G-A.
Other names: short protein forms G111R.
Identifiers: ClinVar variation 2123190 (VCV002123190.1), dbSNP rs1211470450, ClinGen allele CA372936841.

ClinVar aggregate classification (germline): Uncertain significance (1 of 4 stars; one submission).

Allele frequency attached by ClinVar (database versions not stated): gnomAD exomes 0.00001.

Submission:

Labcorp Genetics (formerly Invitae), Labcorp
Classification: Uncertain significance. Last evaluated: 2022-10-05. Review status: criteria provided, single submitter. Criteria: Invitae Variant Classification Sherloc (09022015). Collection method: clinical testing. Allele origin: germline.
Comment: This sequence change replaces glycine, which is neutral and non-polar, with arginine, which is basic and polar, at codon 111 of the TYRP1 protein (p.Gly111Arg). This variant is present in population databases (no rsID available, gnomAD 0.0009%). This variant has not been reported in the literature in individuals affected with TYRP1-related conditions. Advanced modeling of protein sequence and biophysical properties (such as structural, functional, and spatial information, amino acid conservation, physicochemical variation, residue mobility, and thermodynamic stability) performed at Invitae indicates that this missense variant is expected to disrupt TYRP1 protein function. In summary, the available evidence is currently insufficient to determine the role of this variant in disease. Therefore, it has been classified as a Variant of Uncertain Significance.